The following is an entry in ClinVar:

ClinVar aggregate classification (germline): Benign/Likely benign. Review status: criteria provided, multiple submitters, no conflicts (2 of 4 stars). 2 submissions from 2 submitters: Benign (1); Likely benign (1). Last evaluated 2026-07-01.

Allele frequency attached by ClinVar (database versions not stated): 1000 Genomes Project 30x 0.00094; 1000 Genomes Project 0.00120; ESP Exome Variant Server 0.00138; gnomAD 0.00292 and 0.00296; gnomAD exomes 0.00324 and 0.00342; ExAC 0.00707.
gnomAD v4.1: 5,136 of 1,593,654 alleles (0.32%); highest among the groups gnomAD compares: Non-Finnish European, 0.35%; 15 homozygotes.

Submissions (2):

CeGaT Center for Human Genetics Tuebingen
Classification: Likely benign. Last evaluated: 2026-07-01. Review status: criteria provided, single submitter. Criteria: CeGaT Center For Human Genetics Tuebingen Variant Classification Criteria Version 2. Collection method: clinical testing. Allele origin: germline. Affected: yes. Observed: 3 variant alleles.
Comment: PRDM13: BP4, BP7

Labcorp Genetics (formerly Invitae), Labcorp
Classification: Benign. Last evaluated: 2026-01-21. Review status: criteria provided, single submitter. Criteria: Invitae Variant Classification Sherloc (09022015). Collection method: clinical testing. Allele origin: germline.

NM_021620.4(PRDM13):c.642C>A (p.Gly214=)

Gene: PRDM13 (PR/SET domain 13; plus strand). Cytogenetic location: 6q16.2.
Variant type: single nucleotide variant.
Coding change: c.642C>A on transcript NM_021620.4 (MANE Select); coding-DNA position 642, C replaced by A.
Protein change: p.Gly214=; no amino-acid change (glycine 214 retained).
Molecular consequence: synonymous variant.
Genome position (GRCh38, 1-based): chr6:99,613,277, C>A. VCF-style: chr6-99613277-C-A. GRCh37 (hg19) VCF-style: chr6-100061153-C-A.
Identifiers: ClinVar variation 1169311 (VCV001169311.33), dbSNP rs375253385, ClinGen allele CA3936252.
Genomic context (GRCh38, chr6:99,613,277, plus strand): 5'-CCCGGCGCCCGATTTCGCCGCGCCTTCCCAGGCAGGAACTTTGCGACCCCACCCCCTGGG[C>A]CCGCCACCAGTTCAGGCCTGCGGTGCGCGGGAGGGCATCAAGCGCGAGGCCTCTTCCGCG-3'
Protein context (NP_067633.2, residues 204-224): QAGTLRPHPL[Gly214=]PPPVQACGAR